The following is an entry in ClinVar:

ClinVar aggregate classification (germline): Pathogenic/Likely pathogenic. Review status: criteria provided, multiple submitters, no conflicts (2 of 4 stars). 3 submissions from 3 submitters: Pathogenic (2); Likely pathogenic (1). Last evaluated 2025-03-06.

Conditions:
DNAI1-related disorders.
Primary ciliary dyskinesia. Also called: Ciliary dyskinesia. Identifiers: Orphanet 244, MedGen C0008780, MONDO:0016575, HP:0012265.

Allele frequency attached by ClinVar (database versions not stated): gnomAD exomes below 0.00001; TOPMed below 0.00001; gnomAD 0.00001.
gnomAD v4.1: 2 of 1,613,662 alleles (0.00012%); highest among the groups gnomAD compares: Admixed American, 0.0017%; no homozygotes.

Submissions (3):

Natera, Inc.
Classification: Likely pathogenic for Primary ciliary dyskinesia. Last evaluated: 2025-03-06. Review status: criteria provided, single submitter. Criteria: Natera Variant Classification Schema (03/2026). Collection method: clinical testing. Allele origin: germline.
Comment: The c.1569+1G>T variant in DNAI1 is a canonical splice donor site variant predicted to affect pre-mRNA splicing, which may result in an abnormal transcript and altered protein product. This variant is expected to result in nonsense mediated decay, truncation, or a dysfunctional protein product. This variant is rare in the general population with a frequency below the threshold expected for the associated phenotype(s). Given the available evidence, this variant is classified as Likely Pathogenic.

Blueprint Genetics
Classification: Pathogenic for DNAI1-related disorders. Last evaluated: 2022-06-20. Review status: criteria provided, single submitter. Criteria: ACMG Guidelines, 2015. Collection method: clinical testing. Allele origin: germline. Affected: yes. Observed: 2 variant alleles.

Labcorp Genetics (formerly Invitae), Labcorp
Classification: Pathogenic for Primary ciliary dyskinesia. Last evaluated: 2019-06-05. Review status: criteria provided, single submitter. Criteria: Invitae Variant Classification Sherloc (09022015). Collection method: clinical testing. Allele origin: germline.
Comment: For these reasons, this variant has been classified as Pathogenic. Donor and acceptor splice site variants typically lead to a loss of protein function (PMID: 16199547), and loss-of-function variants in DNAI1 are known to be pathogenic (PMID: 16858015). Algorithms developed to predict the effect of sequence changes on RNA splicing suggest that this variant may disrupt the consensus splice site, but this prediction has not been confirmed by published transcriptional studies. This variant is not present in population databases (ExAC no frequency). This sequence change affects a donor splice site in intron 16 of the DNAI1 gene. It is expected to disrupt RNA splicing and likely results in an absent or disrupted protein product.

Literature cited by the submitters: PubMed 16199547 (cited by Labcorp Genetics (formerly Invitae), Labcorp); PubMed 16858015 (cited by Labcorp Genetics (formerly Invitae), Labcorp).

NM_012144.4(DNAI1):c.1569+1G>T

Gene: DNAI1 (dynein axonemal intermediate chain 1; plus strand). Cytogenetic location: 9p13.3.
Variant type: single nucleotide variant.
Coding change: c.1569+1G>T on transcript NM_012144.4 (MANE Select); the canonical splice donor site of the intron after coding-DNA position 1569, G replaced by T.
Molecular consequence: splice donor variant.
Genome position (GRCh38, 1-based): chr9:34,513,192, G>T. VCF-style: chr9-34513192-G-T. GRCh37 (hg19) VCF-style: chr9-34513190-G-T.
Other names: c.1581+1G>T (NM_001281428.2).
Identifiers: ClinVar variation 454829 (VCV000454829.11), dbSNP rs1465404366, ClinGen allele CA373261907.